The following is an entry in ClinVar:

ClinVar aggregate classification (germline): Pathogenic/Likely pathogenic. Review status: criteria provided, multiple submitters, no conflicts (2 of 4 stars). 2 submissions from 2 submitters: Pathogenic (1); Likely pathogenic (1). Last evaluated 2023-10-13.

Conditions:
Pseudoachondroplastic spondyloepiphyseal dysplasia syndrome (PSACH). Also called: PSEUDOACHONDROPLASTIC DYSPLASIA; Pseudoachondroplasia; COMP-Related Pseudoachondroplasia. Identifiers: Orphanet 750, MedGen C0410538, MONDO:0008322, OMIM 177170.
Multiple epiphyseal dysplasia type 1. Also called: COMP-Related Multiple Epiphyseal Dysplasia. Identifiers: Orphanet 93308, MedGen C1838280, MONDO:0007561, OMIM 132400.

Submissions (2):

Labcorp Genetics (formerly Invitae), Labcorp
Classification: Pathogenic. Last evaluated: 2023-10-13. Review status: criteria provided, single submitter. Criteria: Invitae Variant Classification Sherloc (09022015). Collection method: clinical testing. Allele origin: germline.
Comment: This sequence change replaces aspartic acid, which is acidic and polar, with asparagine, which is neutral and polar, at codon 518 of the COMP protein (p.Asp518Asn). The frequency data for this variant in the population databases is considered unreliable, as metrics indicate poor data quality at this position in the gnomAD database. This missense change has been observed in individuals with clinical features of COMP-related conditions (PMID: 9880218, 9921895, 34709441; Invitae). ClinVar contains an entry for this variant (Variation ID: 2138261). Advanced modeling of protein sequence and biophysical properties (such as structural, functional, and spatial information, amino acid conservation, physicochemical variation, residue mobility, and thermodynamic stability) performed at Invitae indicates that this missense variant is expected to disrupt COMP protein function. This variant disrupts the p.Asp518 amino acid residue in COMP. Other variant(s) that disrupt this residue have been determined to be pathogenic (PMID: 10405447, 15756302, 23506586; Invitae). This suggests that this residue is clinically significant, and that variants that disrupt this residue are likely to be disease-causing. For these reasons, this variant has been classified as Pathogenic.

Juno Genomics, Hangzhou Juno Genomics, Inc
Classification: Likely pathogenic for Multiple epiphyseal dysplasia type 1; Pseudoachondroplastic spondyloepiphyseal dysplasia syndrome. Review status: criteria provided, single submitter. Criteria: ACMG Guidelines, 2015. Collection method: clinical testing. Allele origin: germline.
Comment: Absent from controls (or at extremely low frequency if recessive) in Genome Aggregation Database.;Multiple lines of computational evidence support a deleterious effect on the gene or gene product.;The prevalence of the variant in affected individuals is significantly increased compared to the prevalence in controls.;Patient's phenotype or family history is highly specific for a disease with a single genetic etiology.;Located in a mutational hot spot and/or critical and well-established functional domain without benign variation.

Literature cited by the submitters: PubMed 9880218 (cited by Labcorp Genetics (formerly Invitae), Labcorp); PubMed 9921895 (cited by Labcorp Genetics (formerly Invitae), Labcorp); PubMed 34709441 (cited by Labcorp Genetics (formerly Invitae), Labcorp); PubMed 10405447 (cited by Labcorp Genetics (formerly Invitae), Labcorp); PubMed 15756302 (cited by Labcorp Genetics (formerly Invitae), Labcorp); PubMed 23506586 (cited by Labcorp Genetics (formerly Invitae), Labcorp).

NM_000095.3(COMP):c.1552G>A (p.Asp518Asn)

Gene: COMP (cartilage oligomeric matrix protein; minus strand). Cytogenetic location: 19p13.11.
Variant type: single nucleotide variant.
Coding change: c.1552G>A on transcript NM_000095.3 (MANE Select); coding-DNA position 1552, G replaced by A.
Protein change: p.Asp518Asn; replaces aspartic acid 518 with asparagine.
Molecular consequence: missense variant.
Genome position (GRCh38, 1-based): chr19:18,785,789, C>T on the plus strand (G>A on the coding strand, the complement: COMP is on the minus strand). VCF-style: chr19-18785789-C-T. GRCh37 (hg19) VCF-style: chr19-18896599-C-T.
Other names: short protein forms D518N.
Identifiers: ClinVar variation 2138261 (VCV002138261.6), dbSNP rs1359984033, ClinGen allele CA404883301.